The following is an entry in ClinVar:

NM_001367624.2(ZNF469):c.5609G>A (p.Gly1870Asp)

Gene: ZNF469 (zinc finger protein 469; plus strand). Cytogenetic location: 16q24.2.
Variant type: single nucleotide variant.
Coding change: c.5609G>A on transcript NM_001367624.2 (MANE Select); coding-DNA position 5609, G replaced by A.
Protein change: p.Gly1870Asp; replaces glycine 1870 with aspartic acid.
Molecular consequence: missense variant.
Genome position (GRCh38, 1-based): chr16:88,433,079, G>A. VCF-style: chr16-88433079-G-A. GRCh37 (hg19) VCF-style: chr16-88499487-G-A.
Other names: NM_001127464.1:c.5525G>A; short protein forms G1870D.
Identifiers: ClinVar variation 2497320 (VCV002497320.8), dbSNP rs1270184350, ClinGen allele CA397101643.

ClinVar aggregate classification (germline): Conflicting classifications of pathogenicity. Review status: criteria provided, conflicting classifications (1 of 4 stars). 3 submissions from 3 submitters: Uncertain significance (2); Likely benign (1). Last evaluated 2026-01-17.

Conditions:
Cardiovascular phenotype. Identifiers: MedGen CN230736.

Allele frequency attached by ClinVar (database versions not stated): gnomAD 0.00001; TOPMed 0.00002.
gnomAD v4.1: 10 of 1,550,208 alleles (0.00065%); highest among the groups gnomAD compares: Non-Finnish European, 0.00078%; no homozygotes.

Submissions (3):

Labcorp Genetics (formerly Invitae), Labcorp
Classification: Uncertain significance. Last evaluated: 2026-01-17. Review status: criteria provided, single submitter. Criteria: Invitae Variant Classification Sherloc (09022015). Collection method: clinical testing. Allele origin: germline.
Comment: This sequence change replaces glycine, which is neutral and non-polar, with aspartic acid, which is acidic and polar, at codon 1842 of the ZNF469 protein (p.Gly1842Asp). This variant is present in population databases (no rsID available, gnomAD 0.002%). This variant has not been reported in the literature in individuals affected with ZNF469-related conditions. ClinVar contains an entry for this variant (Variation ID: 2497320). An algorithm developed to predict the effect of missense changes on protein structure and function outputs the following: PolyPhen-2: "Benign". The aspartic acid amino acid residue is found in multiple mammalian species, which suggests that this missense change does not adversely affect protein function. In summary, the available evidence is currently insufficient to determine the role of this variant in disease. Therefore, it has been classified as a Variant of Uncertain Significance.

Women's Health and Genetics/Laboratory Corporation of America, LabCorp
Classification: Uncertain significance. Last evaluated: 2025-05-28. Review status: criteria provided, single submitter. Criteria: LabCorp Variant Classification Summary - May 2015. Collection method: clinical testing. Allele origin: germline.
Comment: Variant summary: ZNF469 c.5609G>A (p.Gly1870Asp) results in a non-conservative amino acid change in the encoded protein sequence. Algorithms developed to predict the effect of missense changes on protein structure and function are either unavailable or do not agree on the potential impact of this missense change. The variant allele was found at a frequency of 6.6e-06 in 151752 control chromosomes. The available data on variant occurrences in the general population are insufficient to allow any conclusion about variant significance. To our knowledge, no occurrence of c.5609G>A in individuals affected with Brittle cornea syndrome 1 and no experimental evidence demonstrating its impact on protein function have been reported. ClinVar contains an entry for this variant (Variation ID: 2497320). Based on the evidence outlined above, the variant was classified as uncertain significance.

Ambry Genetics
Classification: Likely benign for Cardiovascular phenotype. Last evaluated: 2025-02-19. Review status: criteria provided, single submitter. Criteria: Ambry Variant Classification Scheme 2023. Collection method: clinical testing. Allele origin: germline.